The following is an entry in ClinVar:

ClinVar aggregate classification (germline): Uncertain significance (1 of 4 stars; one submission).

Conditions:
Hereditary sensory and autonomic neuropathy type 6. Also called: HSAN VI; Neuropathy, hereditary sensory and autonomic, type VI. Identifiers: Orphanet 314381, MedGen C3539003, MONDO:0013839, OMIM 614653.
Epidermolysis bullosa simplex 3, localized or generalized intermediate, with BP230 deficiency (EBS3). Also called: Epidermolysis bullosa simplex due to BP230 deficiency; Epidermolysis bullosa simplex, autosomal recessive 2. Identifiers: Orphanet 412181, MedGen C3809470, MONDO:0014180, OMIM 615425.

Submission:

Labcorp Genetics (formerly Invitae), Labcorp
Classification: Uncertain significance for Epidermolysis bullosa simplex 3, localized or generalized intermediate, with BP230 deficiency; Hereditary sensory and autonomic neuropathy type 6. Last evaluated: 2022-10-19. Review status: criteria provided, single submitter. Criteria: Invitae Variant Classification Sherloc (09022015). Collection method: clinical testing. Allele origin: germline.
Comment: In summary, the available evidence is currently insufficient to determine the role of this variant in disease. Therefore, it has been classified as a Variant of Uncertain Significance. Algorithms developed to predict the effect of missense changes on protein structure and function (SIFT, PolyPhen-2, Align-GVGD) all suggest that this variant is likely to be disruptive. This variant has not been reported in the literature in individuals affected with DST-related conditions. This variant is not present in population databases (gnomAD no frequency). This sequence change replaces leucine, which is neutral and non-polar, with arginine, which is basic and polar, at codon 793 of the DST protein (p.Leu793Arg).

NM_001374736.1(DST):c.3989T>G (p.Leu1330Arg)

Gene: DST (dystonin; minus strand). Cytogenetic location: 6p12.1.
Variant type: single nucleotide variant.
Coding change: c.3989T>G on transcript NM_001374736.1 (MANE Select); coding-DNA position 3989, T replaced by G.
Protein change: p.Leu1330Arg; replaces leucine 1330 with arginine.
Molecular consequence: missense variant.
Genome position (GRCh38, 1-based): chr6:56,631,364, A>C on the plus strand (T>G on the coding strand, the complement: DST is on the minus strand). VCF-style: chr6-56631364-A-C. GRCh37 (hg19) VCF-style: chr6-56496162-A-C.
Other names: c.3890T>G, p.Leu1297Arg (NM_001144769.5); c.3476T>G, p.Leu1159Arg (NM_001144770.2); c.3989T>G, p.Leu1330Arg (NM_001374722.1); c.3356T>G, p.Leu1119Arg (NM_001374729.1, NM_001374730.1, NM_001386100.1 and 1 more transcripts); c.4016T>G, p.Leu1339Arg (NM_001374734.1); c.2378T>G, p.Leu793Arg (NM_001723.7, NM_015548.5); short protein forms L1119R, L1159R, L1297R, L1330R, L1339R, L793R.
Identifiers: ClinVar variation 1721862 (VCV001721862.6), dbSNP rs2536972949, ClinGen allele CA364574670.